The following is an entry in ClinVar:

ClinVar aggregate classification (germline): Likely benign. Review status: criteria provided, multiple submitters, no conflicts (2 of 4 stars). 4 submissions from 4 submitters: Likely benign (4). Last evaluated 2025-01-27.

Conditions:
Hereditary nonpolyposis colorectal neoplasms. Identifiers: MedGen C0009405, MeSH D003123.
Hereditary cancer-predisposing syndrome. Also called: Hereditary Cancer Syndrome; Neoplastic Syndromes, Hereditary; Tumor predisposition; Hereditary neoplastic syndrome. Identifiers: Orphanet 140162, MedGen C0027672, MeSH D009386, MONDO:0015356.
Lynch syndrome 4 (LYNCH4). Also called: Colorectal cancer, hereditary nonpolyposis, type 4; Hereditary non-polyposis colorectal cancer, type 4. Identifiers: Orphanet 144, MedGen C1838333, MONDO:0013699, OMIM 614337. Disease mechanism: loss of function.

Submissions (4):

Myriad Genetics, Inc.
Classification: Likely benign for Lynch syndrome 4. Last evaluated: 2025-01-27. Review status: criteria provided, single submitter. Criteria: Myriad Autosomal Dominant, Autosomal Recessive and X-Linked Classification Criteria (2023). Collection method: clinical testing. Allele origin: unknown.
Comment: This variant is considered likely benign. This variant is intronic and is not expected to impact mRNA splicing.

Labcorp Genetics (formerly Invitae), Labcorp
Classification: Likely benign for Hereditary nonpolyposis colorectal neoplasms. Last evaluated: 2023-05-15. Review status: criteria provided, single submitter. Criteria: Invitae Variant Classification Sherloc (09022015). Collection method: clinical testing. Allele origin: germline.

Color Diagnostics, LLC DBA Color Health
Classification: Likely benign for Hereditary cancer-predisposing syndrome. Last evaluated: 2019-06-25. Review status: criteria provided, single submitter. Criteria: ACMG Guidelines, 2015. Collection method: clinical testing. Allele origin: germline.

GeneDx
Classification: Likely benign. Last evaluated: 2017-11-29. Review status: criteria provided, single submitter. Criteria: GeneDx Variant Classification (06012015). Collection method: clinical testing. Allele origin: germline. Affected: yes.
Comment: This variant is considered likely benign or benign based on one or more of the following criteria: it is a conservative change, it occurs at a poorly conserved position in the protein, it is predicted to be benign by multiple in silico algorithms, and/or has population frequency not consistent with disease.

NM_000535.7(PMS2):c.538-15G>C

Gene: PMS2 (PMS1 homolog 2, mismatch repair system component; minus strand). Cytogenetic location: 7p22.1.
Variant type: single nucleotide variant.
Coding change: c.538-15G>C on transcript NM_000535.7 (MANE Select); 15 bases into the intron before coding-DNA position 538, G replaced by C.
Molecular consequence: intron variant.
Genome position (GRCh38, 1-based): chr7:5,999,290, C>G on the plus strand (G>C on the coding strand, the complement: PMS2 is on the minus strand). VCF-style: chr7-5999290-C-G. GRCh37 (hg19) VCF-style: chr7-6038921-C-G.
Other names: c.220-15G>C (NM_001322008.2, NM_001322007.2); c.133-15G>C (NM_001322010.2, NM_001322004.2, NM_001322003.2 and 2 more transcripts); c.133-1867G>C (NM_001322013.2); c.-347-64G>C (NM_001322012.2, NM_001322011.2); c.229-15G>C (NM_001322015.2); c.538-15G>C (NM_001322006.2, NM_001322014.2).
Identifiers: ClinVar variation 513754 (VCV000513754.12), dbSNP rs1554302558, ClinGen allele CA658796888.